The following is an entry in ClinVar:

NM_005159.5(ACTC1):c.75C>A (p.Gly25=)

Genes: ACTC1 (actin alpha cardiac muscle 1; minus strand), GJD2-DT (GJD2 divergent transcript; plus strand). Cytogenetic location: 15q14.
Variant type: single nucleotide variant.
Coding change: c.75C>A on transcript NM_005159.5 (MANE Select); coding-DNA position 75, C replaced by A.
Protein change: p.Gly25=; no amino-acid change (glycine 25 retained).
Molecular consequence: synonymous variant.
Genome position (GRCh38, 1-based): chr15:34,794,734, G>T on the plus strand (C>A on the coding strand, the complement: ACTC1 is on the minus strand). VCF-style: chr15-34794734-G-T. GRCh37 (hg19) VCF-style: chr15-35086935-G-T.
Other names: c.75C>A, p.Gly25= (NM_001406482.1, NM_001406483.1).
Identifiers: ClinVar variation 1759718 (VCV001759718.6), dbSNP rs144819872, ClinGen allele CA042621.

ClinVar aggregate classification (germline): Likely benign. Review status: criteria provided, multiple submitters, no conflicts (2 of 4 stars). 3 submissions from 3 submitters: Likely benign (3). Last evaluated 2024-06-17.

Conditions:
Atrial septal defect 5 (ASD5). Identifiers: Orphanet 1478, MedGen C2748552, MONDO:0013011, OMIM 612794.
Hypertrophic cardiomyopathy 11. Also called: ACTC1-Related Familial Hypertrophic Cardiomyopathy. Identifiers: MedGen C2677506, MONDO:0012799, OMIM 612098.
Dilated cardiomyopathy 1R (CMD1R). Identifiers: Orphanet 154, Orphanet 54260, MedGen C3150681, MONDO:0013261, OMIM 613424.
Cardiovascular phenotype. Identifiers: MedGen CN230736.
Hypertrophic cardiomyopathy. Also called: HYPERTROPHIC MYOCARDIOPATHY. Identifiers: Orphanet 217569, MedGen C0007194, MeSH D002312, MONDO:0005045, HP:0001639.

Allele frequency attached by ClinVar (database versions not stated): TOPMed below 0.00001; ExAC 0.00001; ESP Exome Variant Server 0.00008.
gnomAD v4.1: 2 of 1,613,370 alleles (0.00012%); highest among the groups gnomAD compares: African/African-American, 0.0027%; no homozygotes.

Submissions (3):

All of Us Research Program, National Institutes of Health
Classification: Likely benign for Hypertrophic cardiomyopathy. Last evaluated: 2024-06-17. Review status: criteria provided, single submitter. Criteria: ACMG Guidelines, 2015. Collection method: clinical testing. Allele origin: germline. Inheritance: Autosomal dominant inheritance. Observed: 1 variant allele, 1 heterozygote.
Comment: This study involves interpretation of variants in research participants for the purpose of population health screening. Participant phenotype was not available at the time of variant classification. Additional details can be found in publication PMID: 35346344, PMCID: PMC8962531

Labcorp Genetics (formerly Invitae), Labcorp
Classification: Likely benign for Dilated cardiomyopathy 1R; Hypertrophic cardiomyopathy 11; Atrial septal defect 5. Last evaluated: 2022-12-05. Review status: criteria provided, single submitter. Criteria: Invitae Variant Classification Sherloc (09022015). Collection method: clinical testing. Allele origin: germline.

Ambry Genetics
Classification: Likely benign for Cardiovascular phenotype. Last evaluated: 2022-05-02. Review status: criteria provided, single submitter. Criteria: Ambry Variant Classification Scheme 2023. Collection method: clinical testing. Allele origin: germline.